The following is an entry in ClinVar:

ClinVar aggregate classification (germline): Conflicting classifications of pathogenicity. Review status: criteria provided, conflicting classifications (1 of 4 stars). 2 submissions from 2 submitters: Uncertain significance (1); Benign (1). Last evaluated 2025-09-15.

Conditions:
Lynch syndrome 4 (LYNCH4). Also called: Colorectal cancer, hereditary nonpolyposis, type 4; Hereditary non-polyposis colorectal cancer, type 4. Identifiers: Orphanet 144, MedGen C1838333, MONDO:0013699, OMIM 614337. Disease mechanism: loss of function.

Submissions (2):

Quest Diagnostics Nichols Institute San Juan Capistrano
Classification: Uncertain significance. Last evaluated: 2025-09-15. Review status: criteria provided, single submitter. Criteria: Quest Diagnostics criteria. Collection method: clinical testing. Allele origin: unknown.
Comment: The PMS2 c.*9A>G variant has not been reported in individuals with PMS2-related conditions in the published literature. This variant has not been reported in large, multi-ethnic general populations (Genome Aggregation Database). Based on the available information, we are unable to determine the clinical significance of this variant.

Myriad Genetics, Inc.
Classification: Benign for Lynch syndrome 4. Last evaluated: 2025-02-04. Review status: criteria provided, single submitter. Criteria: Myriad Autosomal Dominant, Autosomal Recessive and X-Linked Classification Criteria (2023). Collection method: clinical testing. Allele origin: unknown.
Comment: This variant is considered benign. This variant occurs in the non-coding 3' untranslated region of the gene, and is not expected to impact protein function.

NM_000535.7(PMS2):c.*9A>G

Gene: PMS2 (PMS1 homolog 2, mismatch repair system component; minus strand). Cytogenetic location: 7p22.1.
Variant type: single nucleotide variant.
Coding change: c.*9A>G on transcript NM_000535.7 (MANE Select); 9 bases downstream of the stop codon, A replaced by G.
Molecular consequence: 3 prime UTR variant. On other transcripts: non-coding transcript variant (1).
Genome position (GRCh38, 1-based): chr7:5,973,390, T>C on the plus strand (A>G on the coding strand, the complement: PMS2 is on the minus strand). VCF-style: chr7-5973390-T-C. GRCh37 (hg19) VCF-style: chr7-6013021-T-C.
Other names: c.*9A>G (NM_001322003.2, NM_001322004.2, NM_001322005.2 and 57 more transcripts).
Identifiers: ClinVar variation 3904178 (VCV003904178.2).